The following is an entry in ClinVar:

NM_001144967.3(NEDD4L):c.56C>A (p.Ser19Tyr)

Gene: NEDD4L (NEDD4 like E3 ubiquitin protein ligase; plus strand). Cytogenetic location: 18q21.31.
Variant type: single nucleotide variant.
Coding change: c.56C>A on transcript NM_001144967.3 (MANE Select); coding-DNA position 56, C replaced by A.
Protein change: p.Ser19Tyr; replaces serine 19 with tyrosine.
Molecular consequence: missense variant. On other transcripts: 5 prime UTR variant (3).
Genome position (GRCh38, 1-based): chr18:58,165,795, C>A. VCF-style: chr18-58165795-C-A. GRCh37 (hg19) VCF-style: chr18-55833027-C-A.
Other names: c.-308C>A (NM_001144964.1, NM_001144965.2); c.32C>A, p.Ser11Tyr (NM_001144968.2, NM_001144969.2); c.-386C>A (NM_001144971.2); c.56C>A, p.Ser19Tyr (NM_001243960.2, NM_015277.6); short protein forms S11Y, S19Y.
Identifiers: ClinVar variation 4704536 (VCV004704536.1).

ClinVar aggregate classification (germline): Uncertain significance (1 of 4 stars; one submission).

Submission:

Labcorp Genetics (formerly Invitae), Labcorp
Classification: Uncertain significance. Last evaluated: 2025-10-02. Review status: criteria provided, single submitter. Criteria: Invitae Variant Classification Sherloc (09022015). Collection method: clinical testing. Allele origin: germline.
Comment: This sequence change replaces serine, which is neutral and polar, with tyrosine, which is neutral and polar, at codon 19 of the NEDD4L protein (p.Ser19Tyr). The frequency data for this variant in the population databases is considered unreliable, as metrics indicate poor data quality at this position in the gnomAD database. This variant has not been reported in the literature in individuals affected with NEDD4L-related conditions. An algorithm developed to predict the effect of missense changes on protein structure and function (PolyPhen-2) suggests that this variant is likely to be disruptive. In summary, the available evidence is currently insufficient to determine the role of this variant in disease. Therefore, it has been classified as a Variant of Uncertain Significance.